The following is an entry in ClinVar:

ClinVar aggregate classification (germline): Uncertain significance. Review status: criteria provided, multiple submitters, no conflicts (2 of 4 stars). 4 submissions from 4 submitters: Uncertain significance (2). 2 of the submissions do not count toward it. Last evaluated 2022-01-07.

Conditions:
Aminoglycoside-induced deafness. Also called: DEAFNESS, STREPTOMYCIN-INDUCED; STREPTOMYCIN OTOTOXICITY; MT-RNR1-Related Hearing Loss and Deafness. Identifiers: Orphanet 168609, MedGen C1838854, MONDO:0010799, OMIM 580000.
Acute infantile liver failure due to synthesis defect of mtDNA-encoded proteins. Also called: TRMU Deficiency; LIVER FAILURE, INFANTILE, TRANSIENT; Liver failure acute infantile. Identifiers: Orphanet 217371, MedGen C3278664, MONDO:0013111, OMIM 613070.
TRMU-related disorder. Also called: TRMU-related condition.

Allele frequency attached by ClinVar (database versions not stated): ExAC below 0.00001; gnomAD 0.00003 and 0.00004; gnomAD exomes 0.00004; TOPMed 0.00004.
gnomAD v4.1: 22 of 1,561,634 alleles (0.0014%); highest among the groups gnomAD compares: Admixed American, 0.0037%; no homozygotes.

Submissions (4):

Fulgent Genetics
Classification: Uncertain significance for Aminoglycoside-induced deafness; Acute infantile liver failure due to synthesis defect of mtDNA-encoded proteins. Last evaluated: 2022-01-07. Review status: criteria provided, single submitter. Criteria: ACMG Guidelines, 2015. Collection method: clinical testing. Allele origin: unknown.

GeneDx
Classification: Uncertain significance. Last evaluated: 2020-10-05. Review status: criteria provided, single submitter. Criteria: GeneDx Variant Classification Process June 2021. Collection method: clinical testing. Allele origin: germline. Affected: yes.
Comment: A second variant was not described (Boczonadi et al., 2015); Analysis in patient cells harboring G14S showed reduced mitochondrial enzymatic activities of Complex I and IV and the 2-thiouridylation levels of the mitochondrial tRNAs were markedly reduced (Zeharia et al., 2009); In silico analysis supports that this missense variant has a deleterious effect on protein structure/function; This variant is associated with the following publications: (PMID: 19732863, 25407320, 21910628)

PreventionGenetics, part of Exact Sciences
Classification: Uncertain significance for TRMU-related condition. Last evaluated: 2024-05-16. Review status: no assertion criteria provided. Collection method: clinical testing. Allele origin: germline. Not counted in ClinVar's aggregate classification.
Comment: The TRMU c.40G>A variant is predicted to result in the amino acid substitution p.Gly14Ser. This variant was reported in an individual with acute infantile liver failure (Zeharia et al 2009. PubMed ID: 19732863). Biochemical experiments revealed this patient had reduced mitochondrial enzymatic activity, and was heterozygous for the c.40G>A variant on the paternal allele with a seemingly non-expressing maternal allele (Zeharia et al 2009. PubMed ID: 19732863). This variant is reported in 0.068% of alleles in individuals of Ashkenazi Jewish descent in gnomAD, which may be too common to be a primary cause of disease. At this time, the clinical significance of this variant is uncertain due to the absence of conclusive functional and genetic evidence.

Counsyl
Classification: Uncertain significance for Acute infantile liver failure due to synthesis defect of mtDNA-encoded proteins. Last evaluated: 2018-03-07. Review status: no assertion criteria provided. Collection method: clinical testing. Allele origin: unknown. Not counted in ClinVar's aggregate classification.

Literature cited by the submitters: PubMed 19732863 (cited by Counsyl).

NM_018006.5(TRMU):c.40G>A (p.Gly14Ser)

Gene: TRMU (tRNA mitochondrial 2-thiouridylase; plus strand). Cytogenetic location: 22q13.31.
Variant type: single nucleotide variant.
Coding change: c.40G>A on transcript NM_018006.5 (MANE Select); coding-DNA position 40, G replaced by A.
Protein change: p.Gly14Ser; replaces glycine 14 with serine.
Molecular consequence: missense variant. On other transcripts: 5 prime UTR variant (3), non-coding transcript variant (2).
Genome position (GRCh38, 1-based): chr22:46,335,804, G>A. VCF-style: chr22-46335804-G-A. GRCh37 (hg19) VCF-style: chr22-46731701-G-A.
Other names: c.-196G>A (NM_001282782.2); c.-215G>A (NM_001282783.2, NM_001282784.2); c.40G>A, p.Gly14Ser (NM_001282785.2); short protein forms G14S.
Identifiers: ClinVar variation 557033 (VCV000557033.6), dbSNP rs751248771, ClinGen allele CA10291915.